The following is an entry in ClinVar:

ClinVar aggregate classification (germline): Likely pathogenic (1 of 4 stars; one submission).

Submission:

Dasa
Classification: Likely pathogenic. Last evaluated: 2024-09-10. Review status: criteria provided, single submitter. Criteria: DASA Assertion Criteria. Collection method: clinical testing. Allele origin: germline.
Comment: NM_004586.3(RPS6KA3):c.742_743del (p.Ser248Cysfs*2) introduces a premature termination codon predicted to result in loss of normal protein function. Loss-of-function is an established mechanism of disease for this gene. Based on the available data, this variant is classified as likely pathogenic.

NM_004586.3(RPS6KA3):c.742_743del (p.Ser248fs)

Gene: RPS6KA3 (ribosomal protein S6 kinase A3; minus strand). Cytogenetic location: Xp22.12.
Variant type: Microsatellite.
Coding change: c.742_743del on transcript NM_004586.3 (MANE Select); coding-DNA positions 742 to 743, 2 bases deleted (AG; older notation c.742_743delAG).
Protein change: p.Ser248fs; shifts the reading frame from serine 248.
Molecular consequence: frameshift variant.
Genome position (GRCh38, 1-based): chrX:20,187,859-20,187,860, CT deleted on the plus strand (AG on the coding strand, the reverse complement: RPS6KA3 is on the minus strand); deleting any 2 consecutive bases within chrX:20,187,859-20,187,862 gives the same sequence; the c. name uses the placement nearest the transcript's 3' end. VCF-style (leftmost placement, unchanged base first): chrX-20187858-ACT-A. GRCh37 (hg19) VCF-style: chrX-20205976-ACT-A.
Other names: c.658_659del, p.Ser220fs (NM_001438340.1); short protein forms S220fs, S248fs.
Identifiers: ClinVar variation 4851882 (VCV004851882.1).